The following is an entry in ClinVar:

ClinVar aggregate classification (germline): Uncertain significance (1 of 4 stars; one submission).

Conditions:
Frontotemporal dementia and/or amyotrophic lateral sclerosis 2. Also called: FTDALS2. Identifiers: Orphanet 275872, MedGen C4014648, MONDO:0014395, OMIM 615911.
Autosomal dominant mitochondrial myopathy with exercise intolerance (IMMD). Also called: Myopathy, isolated mitochondrial, autosomal dominant. Identifiers: Orphanet 457050, MedGen C4015513, MONDO:0014532, OMIM 616209.
Lower motor neuron syndrome with late-adult onset (SMAJ). Also called: Spinal muscular atrophy, Jokela type; Late-Onset Spinal Motor Neuronopathy (SMAJ). Identifiers: Orphanet 276435, MedGen C3554398, MONDO:0014025, OMIM 615048.

Allele frequency attached by ClinVar (database versions not stated): gnomAD exomes below 0.00001.
gnomAD v4.1: 1 of 1,101,468 alleles (0.000091%); highest among the groups gnomAD compares: Non-Finnish European, 0.00012%; no homozygotes.

Submission:

Labcorp Genetics (formerly Invitae), Labcorp
Classification: Uncertain significance for Lower motor neuron syndrome with late-adult onset; Frontotemporal dementia and/or amyotrophic lateral sclerosis 2; Autosomal dominant mitochondrial myopathy with exercise intolerance. Last evaluated: 2019-03-23. Review status: criteria provided, single submitter. Criteria: Invitae Variant Classification Sherloc (09022015). Collection method: clinical testing. Allele origin: germline.
Comment: In summary, the available evidence is currently insufficient to determine the role of this variant in disease. Therefore, it has been classified as a Variant of Uncertain Significance. This variant disrupts the p.Arg15 amino acid residue in CHCHD10. Other variant(s) that disrupt this residue (p.Arg15Leu) have been determined to be pathogenic (PMID: 25113787, 25261972, 25681414, 28585542, 29121267, 29315381, 29789341). This suggests that this residue is clinically-significant, and that variants that disrupt this residue are likely to be disease-causing. Algorithms developed to predict the effect of missense changes on protein structure and function are either unavailable or do not agree on the potential impact of this missense change (SIFT: "Tolerated"; PolyPhen-2: "Not Available"; Align-GVGD: "Class C0"). This variant has not been reported in the literature in individuals with CHCHD10-related conditions. The frequency data for this variant in the population databases is considered unreliable, as metrics indicate insufficient coverage at this position in the ExAC database. This sequence change replaces arginine with histidine at codon 15 of the CHCHD10 protein (p.Arg15His). The arginine residue is weakly conserved and there is a small physicochemical difference between arginine and histidine.

Literature cited by the submitters: PubMed 25113787; PubMed 25261972; PubMed 25681414; PubMed 28585542; PubMed 29121267; PubMed 29315381; PubMed 29789341.

NM_213720.3(CHCHD10):c.44G>A (p.Arg15His)

Gene: CHCHD10 (coiled-coil-helix-coiled-coil-helix domain containing 10; minus strand). Cytogenetic location: 22q11.23.
Variant type: single nucleotide variant.
Coding change: c.44G>A on transcript NM_213720.3 (MANE Select); coding-DNA position 44, G replaced by A.
Protein change: p.Arg15His; replaces arginine 15 with histidine.
Molecular consequence: missense variant.
Genome position (GRCh38, 1-based): chr22:23,767,591, C>T on the plus strand (G>A on the coding strand, the complement: CHCHD10 is on the minus strand). VCF-style: chr22-23767591-C-T. GRCh37 (hg19) VCF-style: chr22-24109778-C-T.
Other names: c.44G>A, p.Arg15His (NM_001301339.2); short protein forms R15H.
Identifiers: ClinVar variation 851626 (VCV000851626.9), dbSNP rs730880030, ClinGen allele CA410917076.